The following is an entry in ClinVar:

ClinVar aggregate classification (germline): Uncertain significance. Review status: criteria provided, multiple submitters, no conflicts (2 of 4 stars). 2 submissions from 2 submitters: Uncertain significance (2). Last evaluated 2025-07-02.

Conditions:
Inborn genetic diseases. Identifiers: MedGen C0950123, MeSH D030342.

Allele frequency attached by ClinVar (database versions not stated): gnomAD exomes below 0.00001; gnomAD 0.00003; TOPMed 0.00003.
gnomAD v4.1: 10 of 1,613,384 alleles (0.00062%); highest among the groups gnomAD compares: African/African-American, 0.013%; no homozygotes.

Submissions (2):

Ambry Genetics
Classification: Uncertain significance for Inborn genetic diseases. Last evaluated: 2025-07-02. Review status: criteria provided, single submitter. Criteria: Ambry Variant Classification Scheme 2023. Collection method: clinical testing. Allele origin: germline.

Labcorp Genetics (formerly Invitae), Labcorp
Classification: Uncertain significance. Last evaluated: 2022-04-02. Review status: criteria provided, single submitter. Criteria: Invitae Variant Classification Sherloc (09022015). Collection method: clinical testing. Allele origin: germline.
Comment: This sequence change replaces lysine, which is basic and polar, with arginine, which is basic and polar, at codon 173 of the MEOX1 protein (p.Lys173Arg). This variant is present in population databases (no rsID available, gnomAD 0.01%). This variant has not been reported in the literature in individuals affected with MEOX1-related conditions. Algorithms developed to predict the effect of missense changes on protein structure and function (SIFT, PolyPhen-2, Align-GVGD) all suggest that this variant is likely to be disruptive. In summary, the available evidence is currently insufficient to determine the role of this variant in disease. Therefore, it has been classified as a Variant of Uncertain Significance.

NM_004527.4(MEOX1):c.518A>G (p.Lys173Arg)

Gene: MEOX1 (mesenchyme homeobox 1; minus strand). Cytogenetic location: 17q21.31.
Variant type: single nucleotide variant.
Coding change: c.518A>G on transcript NM_004527.4 (MANE Select); coding-DNA position 518, A replaced by G.
Protein change: p.Lys173Arg; replaces lysine 173 with arginine.
Molecular consequence: missense variant. On other transcripts: intron variant (1).
Genome position (GRCh38, 1-based): chr17:43,643,612, T>C on the plus strand (A>G on the coding strand, the complement: MEOX1 is on the minus strand). VCF-style: chr17-43643612-T-C. GRCh37 (hg19) VCF-style: chr17-41720980-T-C.
Other names: c.518A>G (NM_004527.3); c.173A>G, p.Lys58Arg (NM_001040002.2); c.470-1580A>G (NM_013999.4); short protein forms K58R, K173R.
Identifiers: ClinVar variation 1990171 (VCV001990171.2), dbSNP rs996938666, ClinGen allele CA291671368.